The following is an entry in ClinVar:

ClinVar aggregate classification (germline): Uncertain significance. Review status: criteria provided, multiple submitters, no conflicts (2 of 4 stars). 6 submissions from 4 submitters: Uncertain significance (6). Last evaluated 2026-05-29.

Conditions:
RPGRIP1-related disorder. Also called: RPGRIP1-related condition.
Leber congenital amaurosis 6 (LCA6). Identifiers: Orphanet 65, MedGen C1854260, MONDO:0013446, OMIM 613826.
Cone-rod dystrophy 13 (CORD13). Identifiers: Orphanet 1872, MedGen C2750720, MONDO:0011987, OMIM 608194.

Allele frequency attached by ClinVar (database versions not stated): gnomAD 0.00003 and 0.00007; gnomAD exomes 0.00004 and 0.00012; TOPMed 0.00008; ExAC 0.00013; 1000 Genomes Project 0.00040; 1000 Genomes Project 30x 0.00062.
gnomAD v4.1: 71 of 1,609,510 alleles (0.0044%); highest among the groups gnomAD compares: East Asian, 0.11%; 1 homozygote.

Submissions (6):

PreventionGenetics, part of Exact Sciences
Classification: Uncertain significance for RPGRIP1-related condition. Last evaluated: 2026-05-29. Review status: criteria provided, single submitter. Criteria: ACMG Guidelines, 2015. Collection method: clinical testing. Allele origin: germline.
Comment: The RPGRIP1 c.77C>T variant is predicted to result in the amino acid substitution p.Ala26Val. To our knowledge, this variant has not been reported in the literature. This variant is reported in 0.15% of alleles in individuals of East Asian descent in gnomAD, which is likely too frequent to be a primary cause of disease. Although we suspect that this variant may be benign, at this time, the clinical significance of this variant is uncertain due to the absence of conclusive functional and genetic evidence.

Labcorp Genetics (formerly Invitae), Labcorp
Classification: Uncertain significance for Leber congenital amaurosis 6; Cone-rod dystrophy 13. Last evaluated: 2022-03-20. Review status: criteria provided, single submitter. Criteria: Invitae Variant Classification Sherloc (09022015). Collection method: clinical testing. Allele origin: germline.
Comment: This sequence change replaces alanine, which is neutral and non-polar, with valine, which is neutral and non-polar, at codon 26 of the RPGRIP1 protein (p.Ala26Val). This variant is present in population databases (rs187598648, gnomAD 0.1%). This variant has not been reported in the literature in individuals affected with RPGRIP1-related conditions. ClinVar contains an entry for this variant (Variation ID: 881317). Algorithms developed to predict the effect of missense changes on protein structure and function output the following: SIFT: "Tolerated"; PolyPhen-2: "Benign"; Align-GVGD: "Class C0". The valine amino acid residue is found in multiple mammalian species, which suggests that this missense change does not adversely affect protein function. In summary, the available evidence is currently insufficient to determine the role of this variant in disease. Therefore, it has been classified as a Variant of Uncertain Significance.

Genome-Nilou Lab
Classification: Uncertain significance for Leber congenital amaurosis 6. Last evaluated: 2021-11-07. Review status: criteria provided, single submitter. Criteria: ACMG Guidelines, 2015. Collection method: clinical testing. Allele origin: germline. Affected: no.

Genome-Nilou Lab
Classification: Uncertain significance for Cone-rod dystrophy 13. Last evaluated: 2021-11-07. Review status: criteria provided, single submitter. Criteria: ACMG Guidelines, 2015. Collection method: clinical testing. Allele origin: germline. Affected: no.

Illumina Laboratory Services, Illumina
Classification: Uncertain significance for Cone-rod dystrophy 13. Last evaluated: 2018-01-13. Review status: criteria provided, single submitter. Criteria: ICSL Variant Classification Criteria 13 December 2019. Collection method: clinical testing. Allele origin: germline.

Illumina Laboratory Services, Illumina
Classification: Uncertain significance for Leber congenital amaurosis 6. Last evaluated: 2018-01-13. Review status: criteria provided, single submitter. Criteria: ICSL Variant Classification Criteria 13 December 2019. Collection method: clinical testing. Allele origin: germline.

NM_020366.4(RPGRIP1):c.77C>T (p.Ala26Val)

Gene: RPGRIP1 (RPGR interacting protein 1; plus strand). Cytogenetic location: 14q11.2.
Variant type: single nucleotide variant.
Coding change: c.77C>T on transcript NM_020366.4 (MANE Select); coding-DNA position 77, C replaced by T.
Protein change: p.Ala26Val; replaces alanine 26 with valine.
Molecular consequence: missense variant.
Genome position (GRCh38, 1-based): chr14:21,288,053, C>T. VCF-style: chr14-21288053-C-T. GRCh37 (hg19) VCF-style: chr14-21756212-C-T.
Other names: short protein forms A26V.
Identifiers: ClinVar variation 881317 (VCV000881317.10), dbSNP rs187598648, ClinGen allele CA7088537.